The following is an entry in ClinVar:

NM_182706.5(SCRIB):c.3714+7G>A

Gene: SCRIB (scribble planar cell polarity protein; minus strand). Cytogenetic location: 8q24.3.
Variant type: single nucleotide variant.
Coding change: c.3714+7G>A on transcript NM_182706.5 (MANE Select); 7 bases into the intron after coding-DNA position 3714, G replaced by A.
Molecular consequence: intron variant.
Genome position (GRCh38, 1-based): chr8:143,795,413, C>T on the plus strand (G>A on the coding strand, the complement: SCRIB is on the minus strand). VCF-style: chr8-143795413-C-T. GRCh37 (hg19) VCF-style: chr8-144877583-C-T.
Other names: c.3714+7G>A (NM_015356.5).
Identifiers: ClinVar variation 3049316 (VCV003049316.2), dbSNP rs781838984, ClinGen allele CA585730643.

ClinVar aggregate classification (germline): Likely benign (0 of 4 stars; one submission).

Conditions:
SCRIB-related disorder. Also called: SCRIB-related condition.

Allele frequency attached by ClinVar (database versions not stated): TOPMed 0.00001; gnomAD 0.00003.
gnomAD v4.1: 12 of 1,612,682 alleles (0.00074%); highest among the groups gnomAD compares: African/African-American, 0.0013%; no homozygotes.

Submission:

PreventionGenetics, part of Exact Sciences
Classification: Likely benign for SCRIB-related condition. Last evaluated: 2019-07-12. Review status: no assertion criteria provided. Collection method: clinical testing. Allele origin: germline.
Comment: This variant is classified as likely benign based on ACMG/AMP sequence variant interpretation guidelines (Richards et al. 2015 PMID: 25741868, with internal and published modifications).